The following is an entry in ClinVar:

ClinVar aggregate classification (germline): Likely benign (1 of 4 stars; one submission).

Submission:

CeGaT Center for Human Genetics Tuebingen
Classification: Likely benign. Last evaluated: 2024-11-01. Review status: criteria provided, single submitter. Criteria: CeGaT Center For Human Genetics Tuebingen Variant Classification Criteria Version 2. Collection method: clinical testing. Allele origin: germline. Affected: yes. Observed: 1 variant allele.
Comment: PREPL: PM2:Supporting, BP4, BP7

NM_001171613.2(PREPL):c.21G>T (p.Val7=)

Gene: PREPL (prolyl endopeptidase like; minus strand). Cytogenetic location: 2p21.
Variant type: single nucleotide variant.
Coding change: c.21G>T on transcript NM_001171613.2 (MANE Select); coding-DNA position 21, G replaced by T.
Protein change: p.Val7=; no amino-acid change (valine 7 retained).
Molecular consequence: synonymous variant.
Genome position (GRCh38, 1-based): chr2:44,346,322, C>A on the plus strand (G>T on the coding strand, the complement: PREPL is on the minus strand). VCF-style: chr2-44346322-C-A. GRCh37 (hg19) VCF-style: chr2-44573461-C-A.
Other names: c.288G>T, p.Val96= (NM_001042385.2, NM_001042386.2, NM_001171603.1 and 4 more transcripts); c.21G>T, p.Val7= (NM_001171617.1, NM_001374277.1).
Identifiers: ClinVar variation 3390186 (VCV003390186.14).